The following is an entry in ClinVar:

NM_001242882.2(NAXD):c.441+3A>G

Gene: NAXD (NAD(P)HX dehydratase; plus strand). Cytogenetic location: 13q34.
Variant type: single nucleotide variant.
Coding change: c.441+3A>G on transcript NM_001242882.2 (MANE Select); 3 bases into the intron after coding-DNA position 441, A replaced by G.
Molecular consequence: intron variant.
Genome position (GRCh38, 1-based): chr13:110,627,550, A>G. VCF-style: chr13-110627550-A-G. GRCh37 (hg19) VCF-style: chr13-111279897-A-G.
Other names: c.165+3A>G (NM_001242883.2); c.495+3A>G (NM_018210.4, NM_001242881.2).
Identifiers: ClinVar variation 1699273 (VCV001699273.3), dbSNP rs2139640370, ClinGen allele CA2573131731.
Genomic context (GRCh38, chr13:110,627,550, plus strand): 5'-TGCTCTTGTCGTAGGACCTGGCTTGGGTAGAGATGATGCGCTTCTCAGAAATGTCCAGGT[A>G]ATGTGTATACTCACTCACTTCCCTCATGACAGGCTTAGCCTTAGGCGTGAAGTTGGAACA-3'

ClinVar aggregate classification (germline): Likely pathogenic (1 of 4 stars; one submission).

Conditions:
NAD(P)HX dehydratase deficiency. Also called: Encephalopathy, progressive, early-onset, with brain edema and/or leukoencephalopathy, 2. Identifiers: Orphanet 555402, MedGen C5193026, MONDO:0034121, OMIM 618321.

Submission:

Victorian Clinical Genetics Services, Murdoch Childrens Research Institute
Classification: Likely pathogenic for NAD(P)HX dehydratase deficiency. Last evaluated: 2022-02-02. Review status: criteria provided, single submitter. Criteria: ACMG Guidelines, 2015. Collection method: clinical testing. Allele origin: germline. Inheritance: Autosomal recessive inheritance. Affected: yes.
Comment: Based on the classification scheme VCGS_Germline_v1.3.4, this variant is classified as Likely pathogenic. Following criteria are met: 0102 - Loss of function is a known mechanism of disease in this gene and is associated with early-onset progressive encephalopathy with brain edema and/or leukoencephalopathy 2 (MIM#618321). (I) 0106 - This gene is associated with autosomal recessive disease. (I) 0209 - Splice site variant proven to affect splicing of the transcript with uncertain effect on protein sequence. Preliminary results of RT-PCR performed on RNA isolated from this individual’s whole blood have shown two mis-splicing events result of this variant; exon 5 skipping (r.333_441del; p.(Asp112Alafs*67)) was only seen in the proband and is predicted to undergo nonsense-mediated decay (NMD), and exon 4 to 5 skipping (r.244_441del; p.(Ala83_Gly148del)) resulting in an in-frame deletion was detected in both proband and controls. In addition, residual wild type splicing was also detected in the proband (Prof. S. Cooper, Splicing Diagnostics, Kid's Neuroscience Centre). (SP) 0252 - This variant is homozygous. (I) 0301 - Variant is absent from gnomAD (both v2 and v3). (SP) 0505 - Abnormal splicing is predicted by in silico tools and affected nucleotide is highly conserved. (SP) 0705 - No comparable non-canonical splice variants have previous evidence for pathogenicity. (I) 0807 - This variant has no previous evidence of pathogenicity. (I) 0905 - No published segregation evidence has been identified for this variant. (I) 1007 - No published functional evidence has been identified for this variant. (I) 1208 - Inheritance information for this variant is not currently available in this individual. (I) Legend: (SP) - Supporting pathogenic, (I) - Information, (SB) - Supporting benign

Literature cited by the submitters: PubMed 30576410; PubMed 31755961; PubMed 32462209.